The following is an entry in ClinVar:

ClinVar aggregate classification (germline): Uncertain significance. Review status: criteria provided, multiple submitters, no conflicts (2 of 4 stars). 2 submissions from 2 submitters: Uncertain significance (2). Last evaluated 2026-08-31.

Conditions:
CREBBP-related disorder. Also called: CREBBP-related condition; CREBBP-related disorders.
Rubinstein-Taybi syndrome (RSTS). Identifiers: Orphanet 783, MedGen C0035934, MONDO:0019188.

Allele frequency attached by ClinVar (database versions not stated): gnomAD exomes 0.00001; TOPMed 0.00002; gnomAD 0.00003; ExAC 0.00004.
gnomAD v4.1: 17 of 1,584,652 alleles (0.0011%); highest among the groups gnomAD compares: South Asian, 0.0023%; no homozygotes.

Submissions (2):

PreventionGenetics, part of Exact Sciences
Classification: Uncertain significance for CREBBP-related condition. Last evaluated: 2026-08-31. Review status: criteria provided, single submitter. Criteria: ACMG Guidelines, 2015. Collection method: clinical testing. Allele origin: germline.
Comment: The CREBBP c.5953C>T variant is predicted to result in the amino acid substitution p.Arg1985Cys. To our knowledge, this variant has not been reported in the literature. This variant is reported in 0.0022% of alleles in individuals of European (Non-Finnish) descent in gnomAD. At this time, the clinical significance of this variant is uncertain due to the absence of conclusive functional and genetic evidence.

Labcorp Genetics (formerly Invitae), Labcorp
Classification: Uncertain significance for Rubinstein-Taybi syndrome. Last evaluated: 2023-10-05. Review status: criteria provided, single submitter. Criteria: Invitae Variant Classification Sherloc (09022015). Collection method: clinical testing. Allele origin: germline.
Comment: This sequence change replaces arginine, which is basic and polar, with cysteine, which is neutral and slightly polar, at codon 1985 of the CREBBP protein (p.Arg1985Cys). The frequency data for this variant in the population databases is considered unreliable, as metrics indicate poor data quality at this position in the gnomAD database. This variant has not been reported in the literature in individuals affected with CREBBP-related conditions. Advanced modeling of protein sequence and biophysical properties (such as structural, functional, and spatial information, amino acid conservation, physicochemical variation, residue mobility, and thermodynamic stability) has been performed at Invitae for this missense variant, however the output from this modeling did not meet the statistical confidence thresholds required to predict the impact of this variant on CREBBP protein function. In summary, the available evidence is currently insufficient to determine the role of this variant in disease. Therefore, it has been classified as a Variant of Uncertain Significance.

NM_004380.3(CREBBP):c.5953C>T (p.Arg1985Cys)

Gene: CREBBP (CREB binding lysine acetyltransferase; minus strand). Cytogenetic location: 16p13.3.
Variant type: single nucleotide variant.
Coding change: c.5953C>T on transcript NM_004380.3 (MANE Select); coding-DNA position 5953, C replaced by T.
Protein change: p.Arg1985Cys; replaces arginine 1985 with cysteine.
Molecular consequence: missense variant.
Genome position (GRCh38, 1-based): chr16:3,729,094, G>A on the plus strand (C>T on the coding strand, the complement: CREBBP is on the minus strand). VCF-style: chr16-3729094-G-A. GRCh37 (hg19) VCF-style: chr16-3779095-G-A.
Other names: c.5839C>T, p.Arg1947Cys (NM_001079846.1); c.5953C>T (NM_004380.2); short protein forms R1985C, R1947C.
Identifiers: ClinVar variation 2882669 (VCV002882669.4), dbSNP rs767715745, ClinGen allele CA7869215.